The following is an entry in ClinVar:

NM_001282531.3(ADNP):c.106dup (p.Glu36fs)

Gene: ADNP (activity dependent neuroprotector homeobox; minus strand). Cytogenetic location: 20q13.13.
Variant type: Duplication.
Coding change: c.106dup on transcript NM_001282531.3 (MANE Select); coding-DNA position 106, one base duplicated (G; older notation c.106dupG).
Protein change: p.Glu36fs; shifts the reading frame from glutamic acid 36.
Molecular consequence: frameshift variant.
Genome position (GRCh38, 1-based): chr20:50,903,891, C duplicated on the plus strand (G on the coding strand, the reverse complement: ADNP is on the minus strand). VCF-style (leftmost placement, unchanged base first): chr20-50903890-T-TC. GRCh37 (hg19) VCF-style: chr20-49520427-T-TC.
Other names: c.106dup, p.Glu36fs (NM_001282532.2, NM_001347511.2, NM_015339.5 and 1 more transcripts); short protein forms E36fs.
Identifiers: ClinVar variation 421945 (VCV000421945.2), dbSNP rs1555812474, ClinGen allele CA16620937.

ClinVar aggregate classification (germline): Likely pathogenic (1 of 4 stars; one submission).

Submission:

GeneDx
Classification: Likely pathogenic. Last evaluated: 2016-08-17. Review status: criteria provided, single submitter. Criteria: GeneDx Variant Classification (06012015). Collection method: clinical testing. Allele origin: germline. Affected: yes.
Comment: The c.106dupG variant in the ADNP gene has not been reported previously as a pathogenic variant nor as a benign variant, to our knowledge. This variant causes a frameshift starting with codon Glutamic Acid 36, changes this amino acid to a Glycine residue, and creates a premature Stop codon at position 4 of the new reading frame, denoted p.Glu36GlyfsX4. This variant is predicted to cause loss of normal protein function either through protein truncation or nonsense-mediated mRNA decay. The c.106dupG variant was not observed in approximately 6500 individuals of European and African American ancestry in the NHLBI Exome Sequencing Project, indicating it is not a common benign variant in these populations. The c.106dupG variant is a strong candidate for a pathogenic variant, however, the possibility it may be a rare benign variant cannot be excluded.